The following is an entry in ClinVar:

ClinVar aggregate classification (germline): Pathogenic (1 of 4 stars; one submission).

Conditions:
Cardiovascular phenotype. Identifiers: MedGen CN230736.
Hereditary cancer-predisposing syndrome. Also called: Tumor predisposition; Hereditary neoplastic syndrome; Neoplastic Syndromes, Hereditary; Hereditary Cancer Syndrome. Identifiers: Orphanet 140162, MedGen C0027672, MeSH D009386, MONDO:0015356.

Submission:

Ambry Genetics
Classification: Pathogenic for Cardiovascular phenotype; Hereditary cancer-predisposing syndrome. Last evaluated: 2025-05-30. Review status: criteria provided, single submitter. Criteria: Ambry Variant Classification Scheme 2023. Collection method: clinical testing. Allele origin: germline.
Comment: The c.3193dupA pathogenic mutation, located in coding exon 24 of the NF1 gene, results from a duplication of A at nucleotide position 3193, causing a translational frameshift with a predicted alternate stop codon (p.T1065Nfs*24). This variant was reported in individual(s) with features consistent with Neurofibromatosis type 1 (Klose A et al. Hum Genet, 1998 Mar;102:367-71; Ambry internal data). This variant is considered to be rare based on population cohorts in the Genome Aggregation Database (gnomAD). This alteration is expected to result in loss of function by premature protein truncation or nonsense-mediated mRNA decay. As such, this alteration is interpreted as a disease-causing mutation.

Literature cited by the submitters: PubMed 9544853.

NM_001042492.3(NF1):c.3193dup (p.Thr1065fs)

Gene: NF1 (neurofibromin 1; plus strand). Cytogenetic location: 17q11.2.
Variant type: Duplication.
Coding change: c.3193dup on transcript NM_001042492.3 (MANE Select); coding-DNA position 3193, one base duplicated (A; older notation c.3193dupA).
Protein change: p.Thr1065fs; shifts the reading frame from threonine 1065.
Molecular consequence: frameshift variant.
Genome position (GRCh38, 1-based): chr17:31,230,921, A duplicated. VCF-style (leftmost placement, unchanged base first): chr17-31230920-T-TA. GRCh37 (hg19) VCF-style: chr17-29557938-T-TA.
Other names: c.3193dupA (NM_000267.3); c.3193dup, p.Thr1065Asnfs (NM_000267.4); short protein forms T1065fs.
Identifiers: ClinVar variation 4002679 (VCV004002679.1).